The following is an entry in ClinVar:

NM_002055.5(GFAP):c.34C>G (p.Arg12Gly)

Gene: GFAP (glial fibrillary acidic protein; minus strand). Cytogenetic location: 17q21.31.
Variant type: single nucleotide variant.
Coding change: c.34C>G on transcript NM_002055.5 (MANE Select); coding-DNA position 34, C replaced by G.
Protein change: p.Arg12Gly; replaces arginine 12 with glycine.
Molecular consequence: missense variant.
Genome position (GRCh38, 1-based): chr17:44,915,453, G>C on the plus strand (C>G on the coding strand, the complement: GFAP is on the minus strand). VCF-style: chr17-44915453-G-C. GRCh37 (hg19) VCF-style: chr17-42992821-G-C.
Other names: NM_002055.5(GFAP):c.34C>G; p.Arg12Gly; c.34C>G, p.Arg12Gly (NM_001131019.3, NM_001242376.3, NM_001363846.2); c.34C>G (NM_002055.4); short protein forms R12G.
Identifiers: ClinVar variation 1974786 (VCV001974786.7), dbSNP rs375692636, ClinGen allele CA399849220.

ClinVar aggregate classification (germline): Uncertain significance. Review status: reviewed by expert panel (3 of 4 stars). 3 submissions from 3 submitters: Uncertain significance (1). 2 of the submissions do not count toward it. Last evaluated 2026-10-23.

Conditions:
Inborn genetic diseases. Identifiers: MedGen C0950123, MeSH D030342.
Alexander disease (ALXDRD). Also called: Alexander's disease. Identifiers: Orphanet 58, MedGen C0270726, MONDO:0008752, OMIM 203450.

gnomAD v4.1: 2 of 1,602,660 alleles (0.00012%); highest among the groups gnomAD compares: Non-Finnish European, 0.00017%; no homozygotes.

Submissions (3):

ClinGen Leukodystrophy and Leukoencephalopathy Variant Curation Expert Panel, ClinGen
Classification: Uncertain significance for Alexander disease. Last evaluated: 2026-10-23. Review status: reviewed by expert panel. Criteria: ClinGen Leuko ACMG Specifications GFAP V1.0. Collection method: curation. Allele origin: germline. Inheritance: Autosomal dominant inheritance.
Comment: The c.34C>G variant in GFAP is a missense variant predicted to cause substitution of arginine by glycine at amino acid 12 (p.Arg12Gly). The Total GrpMax filtering allele frequency (the lower threshold of the 95% CI of 2/1602660) in gnomAD v4.1.1 is 0.00000028 in European (non-Finnish) population (PM2_Supporting, BS1, and BA1 are not met). Identified in three probands who do not meet clinical criteria for Alexander disease; one has an alternate molecular basis for disease (BP5; ClinVar ID: 1974786; Personal communication, LabCorp Genetics (formerly Invitae) ClinVar SCV003018121.4; Personal communication, Ambry Genetics ClinVar SCV006536553.1). In summary, this variant meets the criteria to be classified as a variant of uncertain significance for Alexander disease based on the ACMG/AMP criteria applied, as specified by the ClinGen Leukodystrophy and Leukoencephalopathy Expert Panel Specifications to the ACMG/AMP Variant Interpretation Guidelines for GFAP Version 1.0.0): BP5

Ambry Genetics
Classification: Uncertain significance for Inborn genetic diseases. Last evaluated: 2025-09-03. Review status: criteria provided, single submitter. Criteria: Ambry Variant Classification Scheme 2023. Collection method: clinical testing. Allele origin: germline. Not counted in ClinVar's aggregate classification.

Labcorp Genetics (formerly Invitae), Labcorp
Classification: Uncertain significance. Last evaluated: 2022-11-15. Review status: criteria provided, single submitter. Criteria: Invitae Variant Classification Sherloc (09022015). Collection method: clinical testing. Allele origin: germline. Not counted in ClinVar's aggregate classification.
Comment: In summary, the available evidence is currently insufficient to determine the role of this variant in disease. Therefore, it has been classified as a Variant of Uncertain Significance. Algorithms developed to predict the effect of missense changes on protein structure and function (SIFT, PolyPhen-2, Align-GVGD) all suggest that this variant is likely to be tolerated. This variant has not been reported in the literature in individuals affected with GFAP-related conditions. This variant is not present in population databases (gnomAD no frequency). This sequence change replaces arginine, which is basic and polar, with glycine, which is neutral and non-polar, at codon 12 of the GFAP protein (p.Arg12Gly).